The following is an entry in ClinVar:

ClinVar aggregate classification (germline): Uncertain significance (1 of 4 stars; one submission).

Conditions:
Fanconi anemia (FA). Also called: Fanconi's anemia. Identifiers: Orphanet 84, MedGen C0015625, MeSH D005199, MONDO:0019391.

gnomAD v4.1: 3 of 1,614,264 alleles (0.00019%); highest among the groups gnomAD compares: East Asian, 0.0022%; no homozygotes.

Submission:

Labcorp Genetics (formerly Invitae), Labcorp
Classification: Uncertain significance for Fanconi anemia. Last evaluated: 2024-08-29. Review status: criteria provided, single submitter. Criteria: Invitae Variant Classification Sherloc (09022015). Collection method: clinical testing. Allele origin: germline.
Comment: This sequence change replaces leucine, which is neutral and non-polar, with valine, which is neutral and non-polar, at codon 8 of the FANCL protein (p.Leu8Val). This variant is not present in population databases (gnomAD no frequency). This variant has not been reported in the literature in individuals affected with FANCL-related conditions. An algorithm developed to predict the effect of missense changes on protein structure and function (PolyPhen-2) suggests that this variant is likely to be disruptive. In summary, the available evidence is currently insufficient to determine the role of this variant in disease. Therefore, it has been classified as a Variant of Uncertain Significance.

NM_018062.4(FANCL):c.22C>G (p.Leu8Val)

Gene: FANCL (FA complementation group L; minus strand). Cytogenetic location: 2p16.1.
Variant type: single nucleotide variant.
Coding change: c.22C>G on transcript NM_018062.4 (MANE Select); coding-DNA position 22, C replaced by G.
Protein change: p.Leu8Val; replaces leucine 8 with valine.
Molecular consequence: missense variant. On other transcripts: non-coding transcript variant (2).
Genome position (GRCh38, 1-based): chr2:58,241,292, G>C on the plus strand (C>G on the coding strand, the complement: FANCL is on the minus strand). VCF-style: chr2-58241292-G-C. GRCh37 (hg19) VCF-style: chr2-58468427-G-C.
Other names: c.22C>G, p.Leu8Val (NM_001114636.2, NM_001374615.1, NM_001410792.1); short protein forms L8V.
Identifiers: ClinVar variation 3714714 (VCV003714714.2).